The following is an entry in ClinVar:

NM_002485.5(NBN):c.1244G>C (p.Ser415Thr)

Gene: NBN (nibrin; minus strand). Cytogenetic location: 8q21.3.
Variant type: single nucleotide variant.
Coding change: c.1244G>C on transcript NM_002485.5 (MANE Select); coding-DNA position 1244, G replaced by C.
Protein change: p.Ser415Thr; replaces serine 415 with threonine.
Molecular consequence: missense variant.
Genome position (GRCh38, 1-based): chr8:89,955,436, C>G on the plus strand (G>C on the coding strand, the complement: NBN is on the minus strand). VCF-style: chr8-89955436-C-G. GRCh37 (hg19) VCF-style: chr8-90967664-C-G.
Other names: c.998G>C, p.Ser333Thr (NM_001024688.3); short protein forms S415T, S333T.
Identifiers: ClinVar variation 3403080 (VCV003403080.1).
Genomic context (GRCh38, chr8:89,955,436, plus strand): 5'-TTAGTTGGTGAAAGCTGATAGTTTGGGATTCTCATCTTAGCCAAAGTATTTGATACCATA[C>G]TATTATTATTAGAGCTTGTTTTGCAGGACTCCTTTACAGTGGGTGCATCTTGTGAAAGCA-3'
Protein context (NP_002476.2, residues 405-425): ESCKTSSNNN[Ser415Thr]MVSNTLAKMR

ClinVar aggregate classification (germline): Uncertain significance (1 of 4 stars; one submission).

Conditions:
Hereditary cancer-predisposing syndrome. Also called: Hereditary Cancer Syndrome; Tumor predisposition; Hereditary neoplastic syndrome; Neoplastic Syndromes, Hereditary. Identifiers: Orphanet 140162, MedGen C0027672, MeSH D009386, MONDO:0015356.

Submission:

Ambry Genetics
Classification: Uncertain significance for Hereditary cancer-predisposing syndrome. Last evaluated: 2024-11-20. Review status: criteria provided, single submitter. Criteria: Ambry Variant Classification Scheme 2023. Collection method: clinical testing. Allele origin: germline.
Comment: The p.S415T variant (also known as c.1244G>C), located in coding exon 10 of the NBN gene, results from a G to C substitution at nucleotide position 1244. The serine at codon 415 is replaced by threonine, an amino acid with similar properties. This amino acid position is conserved. In addition, this alteration is predicted to be tolerated by in silico analysis. Based on the available evidence, the clinical significance of this variant remains unclear.